The following is an entry in ClinVar:

NM_000264.5(PTCH1):c.4070T>C (p.Met1357Thr)

Gene: PTCH1 (patched 1; minus strand). Cytogenetic location: 9q22.32.
Variant type: single nucleotide variant.
Coding change: c.4070T>C on transcript NM_000264.5 (MANE Select); coding-DNA position 4070, T replaced by C.
Protein change: p.Met1357Thr; replaces methionine 1357 with threonine.
Molecular consequence: missense variant. On other transcripts: non-coding transcript variant (1).
Genome position (GRCh38, 1-based): chr9:95,447,186, A>G on the plus strand (T>C on the coding strand, the complement: PTCH1 is on the minus strand). VCF-style: chr9-95447186-A-G. GRCh37 (hg19) VCF-style: chr9-98209468-A-G.
Other names: c.3914T>C, p.Met1305Thr (NM_001354918.2); c.3872T>C, p.Met1291Thr (NM_001083602.3); c.4067T>C, p.Met1356Thr (NM_001083603.3); c.3617T>C, p.Met1206Thr (NM_001083604.3, NM_001083605.3, NM_001083606.3 and 1 more transcripts); short protein forms M1206T, M1291T, M1305T, M1356T, M1357T.
Identifiers: ClinVar variation 2888135 (VCV002888135.4), dbSNP rs1484373312, ClinGen allele CA374110379.
Genomic context (GRCh38, chr9:95,447,186, plus strand): 5'-ACGGAGGCAGAAGCCGTCACAGTGGTGATGGGCTGGCAGTAGCCGGGCACGGAGCTGCCC[A>G]TGGCAGTGGACGCTGGGTTCCGAGGGTTGTGAGAACGGGCCCCGCGAGGGCCCCAGCGGG-3'
Protein context (NP_000255.2, residues 1347-1367): HNPRNPASTA[Met1357Thr]GSSVPGYCQP

ClinVar aggregate classification (germline): Uncertain significance. Review status: criteria provided, multiple submitters, no conflicts (2 of 4 stars). 2 submissions from 2 submitters: Uncertain significance (2). Last evaluated 2025-10-03.

Conditions:
Gorlin syndrome. Also called: Nevoid Basal Cell Carcinoma Syndrome; Basal cell nevus syndrome. Identifiers: Orphanet 377, MedGen C0004779, MONDO:0007187.
Hereditary cancer-predisposing syndrome. Also called: Neoplastic Syndromes, Hereditary; Tumor predisposition; Hereditary neoplastic syndrome; Hereditary Cancer Syndrome. Identifiers: Orphanet 140162, MedGen C0027672, MeSH D009386, MONDO:0015356.

Allele frequency attached by ClinVar (database versions not stated): gnomAD exomes below 0.00001; TOPMed 0.00002.

Submissions (2):

Labcorp Genetics (formerly Invitae), Labcorp
Classification: Uncertain significance for Gorlin syndrome. Last evaluated: 2025-10-03. Review status: criteria provided, single submitter. Criteria: Invitae Variant Classification Sherloc (09022015). Collection method: clinical testing. Allele origin: germline.
Comment: This sequence change replaces methionine, which is neutral and non-polar, with threonine, which is neutral and polar, at codon 1357 of the PTCH1 protein (p.Met1357Thr). This variant is not present in population databases (gnomAD no frequency). This variant has not been reported in the literature in individuals affected with PTCH1-related conditions. ClinVar contains an entry for this variant (Variation ID: 2888135). Invitae Evidence Modeling of protein sequence and biophysical properties (such as structural, functional, and spatial information, amino acid conservation, physicochemical variation, residue mobility, and thermodynamic stability) indicates that this missense variant is not expected to disrupt PTCH1 protein function with a negative predictive value of 95%. In summary, the available evidence is currently insufficient to determine the role of this variant in disease. Therefore, it has been classified as a Variant of Uncertain Significance.

Ambry Genetics
Classification: Uncertain significance for Hereditary cancer-predisposing syndrome. Last evaluated: 2025-05-01. Review status: criteria provided, single submitter. Criteria: Ambry Variant Classification Scheme 2023. Collection method: clinical testing. Allele origin: germline.
Comment: The p.M1357T variant (also known as c.4070T>C), located in coding exon 23 of the PTCH1 gene, results from a T to C substitution at nucleotide position 4070. The methionine at codon 1357 is replaced by threonine, an amino acid with similar properties. This amino acid position is conserved. In addition, this alteration is predicted to be tolerated by in silico analysis. Based on the available evidence, the clinical significance of this variant remains unclear.